The following is an entry in ClinVar:

NM_005909.5(MAP1B):c.2253dup (p.Pro752fs)

Gene: MAP1B (microtubule associated protein 1B; plus strand). Cytogenetic location: 5q13.2.
Variant type: Duplication.
Coding change: c.2253dup on transcript NM_005909.5 (MANE Select); coding-DNA position 2253, one base duplicated (A; older notation c.2253dupA).
Protein change: p.Pro752fs; shifts the reading frame from proline 752.
Molecular consequence: frameshift variant.
Genome position (GRCh38, 1-based): chr5:72,195,608, A duplicated; the last of 7 consecutive A bases (chr5:72,195,602-72,195,608); duplicating any one gives the same sequence. VCF-style (leftmost placement, unchanged base first): chr5-72195601-C-CA. GRCh37 (hg19) VCF-style: chr5-71491428-C-CA.
Other names: c.2253dup (NM_005909.3); c.1875dup, p.Pro626fs (NM_001324255.2); short protein forms P626fs, P752fs.
Identifiers: ClinVar variation 3544372 (VCV003544372.3).

ClinVar aggregate classification (germline): Pathogenic/Likely pathogenic. Review status: criteria provided, multiple submitters, no conflicts (2 of 4 stars). 2 submissions from 2 submitters: Pathogenic (1); Likely pathogenic (1). Last evaluated 2025-05-23.

Conditions:
Periventricular nodular heterotopia 9. Identifiers: MedGen C5394503, MONDO:0030061, OMIM 618918.

Submissions (2):

GeneDx
Classification: Pathogenic. Last evaluated: 2025-05-23. Review status: criteria provided, single submitter. Criteria: GeneDx Variant Classification Process June 2021. Collection method: clinical testing. Allele origin: germline. Affected: yes.
Comment: Frameshift variant predicted to result in protein truncation or nonsense mediated decay in a gene for which loss of function is a known mechanism of disease; Not observed at significant frequency in large population cohorts (gnomAD); Has not been previously published as pathogenic or benign to our knowledge

Molecular Genetics Laboratory, Motol Hospital
Classification: Likely pathogenic for Periventricular nodular heterotopia 9. Last evaluated: 2025-01-07. Review status: criteria provided, single submitter. Criteria: ACMG Guidelines, 2015. Collection method: clinical testing. Allele origin: germline. Affected: yes. Observed: 1 variant allele.
Comment: Rare truncating variants affecting the MAP1B gene are documented as a molecular cause of "Periventricular nodular heterotopia 9" (PVNH9; OMIM:618918; PMID:29738522;30150678;31317654;33772511). To conclude, the variant is classified as likely pathogenic (ACMG PVS1, PM2).

Literature cited by the submitters: PubMed 29738522 (cited by Molecular Genetics Laboratory, Motol Hospital); PubMed 30150678 (cited by Molecular Genetics Laboratory, Motol Hospital); PubMed 31317654 (cited by Molecular Genetics Laboratory, Motol Hospital); PubMed 33772511 (cited by Molecular Genetics Laboratory, Motol Hospital).